The following is an entry in ClinVar:

NM_006567.5(FARS2):c.646C>G (p.Gln216Glu)

Gene: FARS2 (phenylalanyl-tRNA synthetase 2, mitochondrial; plus strand). Cytogenetic location: 6p25.1.
Variant type: single nucleotide variant.
Coding change: c.646C>G on transcript NM_006567.5 (MANE Select); coding-DNA position 646, C replaced by G.
Protein change: p.Gln216Glu; replaces glutamine 216 with glutamic acid.
Molecular consequence: missense variant. On other transcripts: 5 prime UTR variant (2).
Genome position (GRCh38, 1-based): chr6:5,404,575, C>G. VCF-style: chr6-5404575-C-G. GRCh37 (hg19) VCF-style: chr6-5404808-C-G.
Other names: c.646C>G, p.Gln216Glu (NM_001374879.1, NM_001375257.1, NM_001375258.1 and 5 more transcripts); c.-51C>G (NM_001375259.1, NM_001375260.1); short protein forms Q216E.
Identifiers: ClinVar variation 3670609 (VCV003670609.2).

ClinVar aggregate classification (germline): Uncertain significance (1 of 4 stars; one submission).

Conditions:
Combined oxidative phosphorylation defect type 14. Also called: Combined oxidative phosphorylation deficiency 14. Identifiers: Orphanet 319519, MedGen C4755312, MONDO:0013986, OMIM 614946.

Submission:

Labcorp Genetics (formerly Invitae), Labcorp
Classification: Uncertain significance for Combined oxidative phosphorylation defect type 14. Last evaluated: 2024-11-12. Review status: criteria provided, single submitter. Criteria: Invitae Variant Classification Sherloc (09022015). Collection method: clinical testing. Allele origin: germline.
Comment: This sequence change replaces glutamine, which is neutral and polar, with glutamic acid, which is acidic and polar, at codon 216 of the FARS2 protein (p.Gln216Glu). This variant is not present in population databases (gnomAD no frequency). This variant has not been reported in the literature in individuals affected with FARS2-related conditions. Invitae Evidence Modeling of protein sequence and biophysical properties (such as structural, functional, and spatial information, amino acid conservation, physicochemical variation, residue mobility, and thermodynamic stability) indicates that this missense variant is not expected to disrupt FARS2 protein function with a negative predictive value of 95%. In summary, the available evidence is currently insufficient to determine the role of this variant in disease. Therefore, it has been classified as a Variant of Uncertain Significance.